The following is an entry in ClinVar:

ClinVar aggregate classification (germline): Uncertain significance (1 of 4 stars; one submission).

Conditions:
Kufor-Rakeb syndrome (KRS). Also called: PARKINSON DISEASE 9, AUTOSOMAL RECESSIVE, JUVENILE-ONSET. Identifiers: Orphanet 306674, Orphanet 314632, MedGen C1847640, MONDO:0011706, OMIM 606693.
Autosomal recessive spastic paraplegia type 78. Identifiers: Orphanet 513436, MedGen C5567893, MONDO:0014975, OMIM 617225.

gnomAD v4.1: 1 of 1,601,568 alleles (0.000062%); highest among the groups gnomAD compares: Non-Finnish European, 0.000085%; no homozygotes.

Submission:

Labcorp Genetics (formerly Invitae), Labcorp
Classification: Uncertain significance for Kufor-Rakeb syndrome; Autosomal recessive spastic paraplegia type 78. Last evaluated: 2021-10-20. Review status: criteria provided, single submitter. Criteria: Invitae Variant Classification Sherloc (09022015). Collection method: clinical testing. Allele origin: germline.
Comment: In summary, the available evidence is currently insufficient to determine the role of this variant in disease. Therefore, it has been classified as a Variant of Uncertain Significance. Algorithms developed to predict the effect of missense changes on protein structure and function are either unavailable or do not agree on the potential impact of this missense change (SIFT: "Tolerated"; PolyPhen-2: "Possibly Damaging"; Align-GVGD: "Class C0"). This variant has not been reported in the literature in individuals affected with ATP13A2-related conditions. This variant is not present in population databases (ExAC no frequency). This sequence change replaces serine with arginine at codon 826 of the ATP13A2 protein (p.Ser826Arg). The serine residue is moderately conserved and there is a moderate physicochemical difference between serine and arginine.

NM_022089.4(ATP13A2):c.2478C>G (p.Ser826Arg)

Gene: ATP13A2 (ATPase cation transporting 13A2; minus strand). Cytogenetic location: 1p36.13.
Variant type: single nucleotide variant.
Coding change: c.2478C>G on transcript NM_022089.4 (MANE Select); coding-DNA position 2478, C replaced by G.
Protein change: p.Ser826Arg; replaces serine 826 with arginine.
Molecular consequence: missense variant. On other transcripts: intron variant (1).
Genome position (GRCh38, 1-based): chr1:16,989,938, G>C on the plus strand (C>G on the coding strand, the complement: ATP13A2 is on the minus strand). VCF-style: chr1-16989938-G-C. GRCh37 (hg19) VCF-style: chr1-17316433-G-C.
Other names: c.2463C>G, p.Ser821Arg (NM_001141973.3); c.2398-168C>G (NM_001141974.3); short protein forms S826R, S821R.
Identifiers: ClinVar variation 1388049 (VCV001388049.6), dbSNP rs147611385, ClinGen allele CA338240516.